The following is an entry in ClinVar:

ClinVar aggregate classification (germline): Pathogenic (1 of 4 stars; one submission).

Conditions:
Kostmann syndrome (SCN3). Also called: Autosomal recessive severe congenital neutropenia type 3; KOSTMANN DISEASE. Identifiers: Orphanet 99749, MedGen C5235141, MONDO:0012548, OMIM 610738.

Submission:

Labcorp Genetics (formerly Invitae), Labcorp
Classification: Pathogenic for Kostmann syndrome. Last evaluated: 2022-05-25. Review status: criteria provided, single submitter. Criteria: Invitae Variant Classification Sherloc (09022015). Collection method: clinical testing. Allele origin: germline.
Comment: A gross deletion of the genomic region encompassing the full coding sequence of the HAX1 gene has been identified. Loss-of-function variants in HAX1 are known to be pathogenic (PMID: 17187068). The boundaries of this event are unknown as they extend beyond the assayed region for this gene and therefore may encompass additional genes. This variant has not been reported in the literature in individuals affected with HAX1-related conditions. For these reasons, this variant has been classified as Pathogenic.

Literature cited by the submitters: PubMed 17187068.

NC_000001.10:g.(?_153963273)_(154580482_?)del

Genes: TDRD10 (tudor domain containing 10; plus strand), HAX1 (HCLS1 associated protein X-1; plus strand), LTAP1 (lipid transport auxiliary protein 1; minus strand), ADAR (adenosine deaminase RNA specific; minus strand), ATP8B2 (ATPase phospholipid transporting 8B2; plus strand) and 10 more. Cytogenetic location: 1q21.3.
Variant type: Deletion.
Identifiers: ClinVar variation 2425513 (VCV002425513.4).